The following is an entry in ClinVar:

ClinVar aggregate classification (germline): Uncertain significance. Review status: criteria provided, multiple submitters, no conflicts (2 of 4 stars). 2 submissions from 2 submitters: Uncertain significance (2). Last evaluated 2024-10-18.

Conditions:
Hereditary cancer-predisposing syndrome. Also called: Neoplastic Syndromes, Hereditary; Hereditary Cancer Syndrome; Hereditary neoplastic syndrome; Tumor predisposition. Identifiers: Orphanet 140162, MedGen C0027672, MeSH D009386, MONDO:0015356.
Hereditary breast ovarian cancer syndrome. Also called: BRCA1- and BRCA2-Associated Hereditary Breast and Ovarian Cancer; Hereditary breast and ovarian cancer syndrome (HBOC); Hereditary breast and ovarian cancer syndrome; Breast and ovarian cancer; Hereditary breast and/or ovarian cancer syndrome; Hereditary breast and ovarian cancer. Identifiers: Orphanet 145, MedGen C0677776, MeSH D061325, MONDO:0003582. Disease mechanism: loss of function.

Allele frequency attached by ClinVar (database versions not stated): gnomAD exomes below 0.00001.
gnomAD v4.1: 1 of 1,613,632 alleles (0.000062%); highest among the groups gnomAD compares: South Asian, 0.0011%; no homozygotes.

Submissions (2):

Labcorp Genetics (formerly Invitae), Labcorp
Classification: Uncertain significance for Hereditary breast ovarian cancer syndrome. Last evaluated: 2024-10-18. Review status: criteria provided, single submitter. Criteria: Invitae Variant Classification Sherloc (09022015). Collection method: clinical testing. Allele origin: germline.
Comment: This sequence change replaces valine, which is neutral and non-polar, with isoleucine, which is neutral and non-polar, at codon 1790 of the BRCA2 protein (p.Val1790Ile). This variant is not present in population databases (gnomAD no frequency). This variant has not been reported in the literature in individuals affected with BRCA2-related conditions. ClinVar contains an entry for this variant (Variation ID: 2565974). Invitae Evidence Modeling of protein sequence and biophysical properties (such as structural, functional, and spatial information, amino acid conservation, physicochemical variation, residue mobility, and thermodynamic stability) indicates that this missense variant is not expected to disrupt BRCA2 protein function with a negative predictive value of 95%. In summary, the available evidence is currently insufficient to determine the role of this variant in disease. Therefore, it has been classified as a Variant of Uncertain Significance.

Ambry Genetics
Classification: Uncertain significance for Hereditary cancer-predisposing syndrome. Last evaluated: 2023-03-24. Review status: criteria provided, single submitter. Criteria: Ambry Variant Classification Scheme 2023. Collection method: clinical testing. Allele origin: germline.
Comment: The p.V1790I variant (also known as c.5368G>A), located in coding exon 10 of the BRCA2 gene, results from a G to A substitution at nucleotide position 5368. The valine at codon 1790 is replaced by isoleucine, an amino acid with highly similar properties. This amino acid position is conserved. In addition, this alteration is predicted to be tolerated by in silico analysis. Since supporting evidence is limited at this time, the clinical significance of this alteration remains unclear.

NM_000059.4(BRCA2):c.5368G>A (p.Val1790Ile)

Gene: BRCA2 (BRCA2 DNA repair associated; plus strand). Cytogenetic location: 13q13.1.
Variant type: single nucleotide variant.
Coding change: c.5368G>A on transcript NM_000059.4 (MANE Select); coding-DNA position 5368, G replaced by A.
Protein change: p.Val1790Ile; replaces valine 1790 with isoleucine.
Molecular consequence: missense variant. On other transcripts: intron variant (2), non-coding transcript variant (1).
Genome position (GRCh38, 1-based): chr13:32,339,723, G>A. VCF-style: chr13-32339723-G-A. GRCh37 (hg19) VCF-style: chr13-32913860-G-A.
Other names: c.5368G>A, p.Val1790Ile (NM_001406719.1, NM_001406720.1); c.425-4835G>A (NM_001406722.1); c.1910-4835G>A (NM_001406721.1); short protein forms V1790I.
Identifiers: ClinVar variation 2565974 (VCV002565974.4), dbSNP rs1566232328, ClinGen allele CA387785128.